The following is an entry in ClinVar:

NM_004366.6(CLCN2):c.725C>T (p.Ala242Val)

Gene: CLCN2 (chloride voltage-gated channel 2; minus strand). Cytogenetic location: 3q27.1.
Variant type: single nucleotide variant.
Coding change: c.725C>T on transcript NM_004366.6 (MANE Select); coding-DNA position 725, C replaced by T.
Protein change: p.Ala242Val; replaces alanine 242 with valine.
Molecular consequence: missense variant.
Genome position (GRCh38, 1-based): chr3:184,357,667, G>A on the plus strand (C>T on the coding strand, the complement: CLCN2 is on the minus strand). VCF-style: chr3-184357667-G-A. GRCh37 (hg19) VCF-style: chr3-184075455-G-A.
Other names: c.725C>T, p.Ala242Val (NM_001171087.3, NM_001171089.3); c.593C>T, p.Ala198Val (NM_001171088.3); short protein forms A242V, A198V.
Identifiers: ClinVar variation 2728042 (VCV002728042.3), dbSNP rs776821634, ClinGen allele CA355455759.

ClinVar aggregate classification (germline): Uncertain significance (1 of 4 stars; one submission).

Allele frequency attached by ClinVar (database versions not stated): gnomAD exomes below 0.00001.

Submission:

Labcorp Genetics (formerly Invitae), Labcorp
Classification: Uncertain significance. Last evaluated: 2023-03-03. Review status: criteria provided, single submitter. Criteria: Invitae Variant Classification Sherloc (09022015). Collection method: clinical testing. Allele origin: germline.
Comment: This variant has not been reported in the literature in individuals affected with CLCN2-related conditions. This sequence change replaces alanine, which is neutral and non-polar, with valine, which is neutral and non-polar, at codon 242 of the CLCN2 protein (p.Ala242Val). This variant is not present in population databases (gnomAD no frequency). Advanced modeling of protein sequence and biophysical properties (such as structural, functional, and spatial information, amino acid conservation, physicochemical variation, residue mobility, and thermodynamic stability) performed at Invitae indicates that this missense variant is not expected to disrupt CLCN2 protein function. In summary, the available evidence is currently insufficient to determine the role of this variant in disease. Therefore, it has been classified as a Variant of Uncertain Significance.